The following is an entry in ClinVar:

NM_000384.3(APOB):c.6837G>A (p.Gln2279=)

Gene: APOB (apolipoprotein B; minus strand). Cytogenetic location: 2p24.1.
Variant type: single nucleotide variant.
Coding change: c.6837G>A on transcript NM_000384.3 (MANE Select); coding-DNA position 6837, G replaced by A.
Protein change: p.Gln2279=; no amino-acid change (glutamine 2279 retained).
Molecular consequence: synonymous variant.
Genome position (GRCh38, 1-based): chr2:21,010,031, C>T on the plus strand (G>A on the coding strand, the complement: APOB is on the minus strand). VCF-style: chr2-21010031-C-T. GRCh37 (hg19) VCF-style: chr2-21232903-C-T.
Identifiers: ClinVar variation 5039606 (VCV005039606.1).

ClinVar aggregate classification (germline): Likely benign (1 of 4 stars; one submission).

gnomAD v4.1: 1 of 1,613,646 alleles (0.000062%); no homozygotes.

Submission:

CeGaT Center for Human Genetics Tuebingen
Classification: Likely benign. Last evaluated: 2026-08-01. Review status: criteria provided, single submitter. Criteria: CeGaT Center For Human Genetics Tuebingen Variant Classification Criteria Version 2. Collection method: clinical testing. Allele origin: germline. Affected: yes. Observed: 1 variant allele.
Comment: APOB: BP4, BP7